The following is an entry in ClinVar:

ClinVar aggregate classification (germline): Uncertain significance (1 of 4 stars; one submission).

Conditions:
Long QT syndrome (LQTS). Identifiers: MedGen C0023976, MeSH D008133, MONDO:0002442. Disease mechanism: loss of function. Inheritance: Various modes of inheritance.

Allele frequency attached by ClinVar (database versions not stated): TOPMed below 0.00001.
gnomAD v4.1: 1 of 1,613,908 alleles (0.000062%); highest among the groups gnomAD compares: Non-Finnish European, 0.000085%; no homozygotes.

Submission:

Labcorp Genetics (formerly Invitae), Labcorp
Classification: Uncertain significance for Long QT syndrome. Last evaluated: 2021-06-09. Review status: criteria provided, single submitter. Criteria: Invitae Variant Classification Sherloc (09022015). Collection method: clinical testing. Allele origin: germline.
Comment: In summary, the available evidence is currently insufficient to determine the role of this variant in disease. Therefore, it has been classified as a Variant of Uncertain Significance. Algorithms developed to predict the effect of missense changes on protein structure and function are either unavailable or do not agree on the potential impact of this missense change (SIFT: "Deleterious"; PolyPhen-2: "Probably Damaging"; Align-GVGD: "Class C0"). This variant has not been reported in the literature in individuals with CACNA1C-related conditions. This variant is not present in population databases (ExAC no frequency). This sequence change replaces serine with asparagine at codon 1757 of the CACNA1C protein (p.Ser1757Asn). The serine residue is highly conserved and there is a small physicochemical difference between serine and asparagine.

NM_000719.7(CACNA1C):c.5270G>A (p.Ser1757Asn)

Genes: CACNA1C (calcium voltage-gated channel subunit alpha1 C; plus strand), CACNA1C-AS1 (CACNA1C antisense RNA 1; minus strand). Cytogenetic location: 12p13.33.
Variant type: single nucleotide variant.
Coding change: c.5270G>A on transcript NM_000719.7 (MANE Select); coding-DNA position 5270, G replaced by A.
Protein change: p.Ser1757Asn; replaces serine 1757 with asparagine.
Molecular consequence: missense variant.
Genome position (GRCh38, 1-based): chr12:2,679,622, G>A. VCF-style: chr12-2679622-G-A. GRCh37 (hg19) VCF-style: chr12-2788788-G-A.
Other names: c.5414G>A, p.Ser1805Asn (NM_001129827.2, NM_199460.4); c.5393G>A, p.Ser1798Asn (NM_001129829.2); c.5270G>A, p.Ser1757Asn (NM_001129830.3, NM_001129840.2, NM_001129841.2 and 4 more transcripts); c.5354G>A, p.Ser1785Asn (NM_001129831.2); c.5330G>A, p.Ser1777Asn (NM_001129832.2); c.5327G>A, p.Ser1776Asn (NM_001129833.2, NM_001129834.2, NM_001129835.2); c.5321G>A, p.Ser1774Asn (NM_001129836.2); c.5294G>A, p.Ser1765Asn (NM_001129837.2, NM_001129838.2); and 3 more; short protein forms S1763N, S1774N, S1776N, S1798N, S1754N, S1757N, S1805N, S1746N.
Identifiers: ClinVar variation 1500293 (VCV001500293.8), dbSNP rs753388569, ClinGen allele CA383378858.